The following is an entry in ClinVar:

NM_005732.4(RAD50):c.3467G>T (p.Arg1156Leu)

Genes: TH2LCRR (T helper type 2 locus control region associated RNA; minus strand), RAD50 (RAD50 double strand break repair protein; plus strand), TH2-LCR (Th2 cytokine locus control region; plus strand). Cytogenetic location: 5q31.1.
Variant type: single nucleotide variant.
Coding change: c.3467G>T on transcript NM_005732.4 (MANE Select); coding-DNA position 3467, G replaced by T.
Protein change: p.Arg1156Leu; replaces arginine 1156 with leucine.
Molecular consequence: missense variant.
Genome position (GRCh38, 1-based): chr5:132,637,192, G>T. VCF-style: chr5-132637192-G-T. GRCh37 (hg19) VCF-style: chr5-131972884-G-T.
Other names: short protein forms R1156L.
Identifiers: ClinVar variation 582166 (VCV000582166.9), dbSNP rs587780156, ClinGen allele CA360930576.

ClinVar aggregate classification (germline): Uncertain significance (1 of 4 stars; one submission).

Conditions:
Hereditary cancer-predisposing syndrome. Also called: Neoplastic Syndromes, Hereditary; Hereditary Cancer Syndrome; Tumor predisposition; Hereditary neoplastic syndrome. Identifiers: Orphanet 140162, MedGen C0027672, MeSH D009386, MONDO:0015356.

Submission:

Labcorp Genetics (formerly Invitae), Labcorp
Classification: Uncertain significance for Hereditary cancer-predisposing syndrome. Last evaluated: 2018-05-22. Review status: criteria provided, single submitter. Criteria: Invitae Variant Classification Sherloc (09022015). Collection method: clinical testing. Allele origin: germline.
Comment: In summary, the available evidence is currently insufficient to determine the role of this variant in disease. Therefore, it has been classified as a Variant of Uncertain Significance. Algorithms developed to predict the effect of missense changes on protein structure and function are either unavailable or do not agree on the potential impact of this missense change (SIFT: "Tolerated"; PolyPhen-2: "Possibly Damaging"; Align-GVGD: "Class C0"). This variant has not been reported in the literature in individuals with RAD50-related disease. This variant is not present in population databases (ExAC no frequency). This sequence change replaces arginine with leucine at codon 1156 of the RAD50 protein (p.Arg1156Leu). The arginine residue is moderately conserved and there is a moderate physicochemical difference between arginine and leucine.